The following is an entry in ClinVar:

ClinVar aggregate classification (germline): Likely pathogenic (1 of 4 stars; one submission).

Conditions:
Congenital hyperammonemia, type I. Also called: Carbamoyl phosphate synthetase I deficiency disease; Carbamoyl phosphate synthetase 1 deficiency; Hyperammonemia due to carbamoyl phosphate synthetase 1 deficiency; CPS 1 deficiency; Carbamyl phosphate synthetase (CPS) deficiency; Carbamoyl-phosphate synthase I deficiency. Identifiers: Orphanet 147, MedGen C4082171, MONDO:0009376, OMIM 237300.

Submission:

Myriad Genetics, Inc.
Classification: Likely pathogenic for Congenital hyperammonemia, type I. Last evaluated: 2019-10-01. Review status: criteria provided, single submitter. Criteria: Myriad Women's Health Autosomal Recessive and X-Linked Classification Criteria (2019). Collection method: clinical testing. Allele origin: unknown.
Comment: NM_001875.4(CPS1):c.1610C>A(S537*) is expected to be pathogenic in the context of carbamoylphosphate synthetase I deficiency. This variant is predicted to lead to an abnormal or absent protein product due to the creation of a premature termination codon in CPS1, a gene where loss-of-function variants are known to be pathogenic. Please note: this variant was assessed in the context of healthy population screening.

NM_001875.5(CPS1):c.1610C>A (p.Ser537Ter)

Gene: CPS1 (carbamoyl-phosphate synthase 1; plus strand). Cytogenetic location: 2q34.
Variant type: single nucleotide variant.
Coding change: c.1610C>A on transcript NM_001875.5 (MANE Select); coding-DNA position 1610, C replaced by A.
Protein change: p.Ser537Ter; replaces serine 537 with a stop codon.
Molecular consequence: nonsense. On other transcripts: non-coding transcript variant (2).
Genome position (GRCh38, 1-based): chr2:210,600,615, C>A. VCF-style: chr2-210600615-C-A. GRCh37 (hg19) VCF-style: chr2-211465339-C-A.
Other names: c.1610C>A, p.Ser537Ter (NM_001122633.3, NM_001369257.1); c.1643C>A, p.Ser548Ter (NM_001369256.1); short protein forms S537*, S548*.
Identifiers: ClinVar variation 984184 (VCV000984184.3), dbSNP rs1698686495, ClinGen allele CA350436745.